The following is an entry in ClinVar:

ClinVar aggregate classification (germline): Uncertain significance (1 of 4 stars; one submission).

Allele frequency attached by ClinVar (database versions not stated): gnomAD exomes 0.00001.
gnomAD v4.1: 6 of 1,612,370 alleles (0.00037%); highest among the groups gnomAD compares: Admixed American, 0.0017%; no homozygotes.

Submission:

Labcorp Genetics (formerly Invitae), Labcorp
Classification: Uncertain significance. Last evaluated: 2020-12-03. Review status: criteria provided, single submitter. Criteria: Invitae Variant Classification Sherloc (09022015). Collection method: clinical testing. Allele origin: germline.
Comment: In summary, the available evidence is currently insufficient to determine the role of this variant in disease. Therefore, it has been classified as a Variant of Uncertain Significance. Algorithms developed to predict the effect of missense changes on protein structure and function output the following: SIFT: "Tolerated"; PolyPhen-2: "Possibly Damaging"; Align-GVGD: "Class C0". The valine amino acid residue is found in multiple mammalian species, suggesting that this missense change does not adversely affect protein function. These predictions have not been confirmed by published functional studies and their clinical significance is uncertain. This variant has not been reported in the literature in individuals with RBP3-related conditions. This variant is not present in population databases (ExAC no frequency). This sequence change replaces isoleucine with valine at codon 319 of the RBP3 protein (p.Ile319Val). The isoleucine residue is highly conserved and there is a small physicochemical difference between isoleucine and valine.

NM_002900.3(RBP3):c.955A>G (p.Ile319Val)

Gene: RBP3 (retinol binding protein 3; plus strand). Cytogenetic location: 10q11.22.
Variant type: single nucleotide variant.
Coding change: c.955A>G on transcript NM_002900.3 (MANE Select); coding-DNA position 955, A replaced by G.
Protein change: p.Ile319Val; replaces isoleucine 319 with valine.
Molecular consequence: missense variant.
Genome position (GRCh38, 1-based): chr10:47,349,439, A>G. VCF-style: chr10-47349439-A-G. GRCh37 (hg19) VCF-style: chr10-48389923-T-C.
Other names: short protein forms I319V.
Identifiers: ClinVar variation 1461515 (VCV001461515.8), dbSNP rs968129269, ClinGen allele CA206461092.
Genomic context (GRCh38, chr10:47,349,439, plus strand): 5'-AGCGGGGTGCTGCCCTGTGTGGGGACTCCGGCCGAGCAGGCCCTGGAGAAAGCCCTGGCC[A>G]TCCTCACTCTGCGCAGCGCCCTTCCAGGGGTAGTCCACTGCCTCCAGGAGGTCCTGAAGG-3'
Protein context (NP_002891.1, residues 309-329): AEQALEKALA[Ile319Val]LTLRSALPGV